The following is an entry in ClinVar:

NM_182961.4(SYNE1):c.3971T>G (p.Leu1324Arg)

Gene: SYNE1 (spectrin repeat containing nuclear envelope protein 1; minus strand). Cytogenetic location: 6q25.2.
Variant type: single nucleotide variant.
Coding change: c.3971T>G on transcript NM_182961.4 (MANE Select); coding-DNA position 3971, T replaced by G.
Protein change: p.Leu1324Arg; replaces leucine 1324 with arginine.
Molecular consequence: missense variant.
Genome position (GRCh38, 1-based): chr6:152,442,112, A>C on the plus strand (T>G on the coding strand, the complement: SYNE1 is on the minus strand). VCF-style: chr6-152442112-A-C. GRCh37 (hg19) VCF-style: chr6-152763247-A-C.
Other names: c.3992T>G, p.Leu1331Arg (NM_033071.5); short protein forms L1324R, L1331R.
Identifiers: ClinVar variation 845437 (VCV000845437.9), dbSNP rs911005692, ClinGen allele CA366146463.

ClinVar aggregate classification (germline): Uncertain significance (1 of 4 stars; one submission).

Conditions:
Emery-Dreifuss muscular dystrophy 4, autosomal dominant (EDMD4). Also called: EMERY-DREIFUSS MUSCULAR DYSTROPHY 4 WITH VARIABLE FEATURES. Identifiers: Orphanet 261, MedGen C2751807, MONDO:0013071, OMIM 612998.
Autosomal recessive ataxia, Beauce type. Also called: Spinocerebellar ataxia, autosomal recessive 8; ATAXIA, RECESSIVE, OF BEAUCE; SYNE1-Related Autosomal Recessive Cerebellar Ataxia; SYNE1 Deficiency. Identifiers: Orphanet 88644, MedGen C1853116, MONDO:0012549, OMIM 610743.

Submission:

Labcorp Genetics (formerly Invitae), Labcorp
Classification: Uncertain significance for Emery-Dreifuss muscular dystrophy 4, autosomal dominant; Autosomal recessive ataxia, Beauce type. Last evaluated: 2019-03-04. Review status: criteria provided, single submitter. Criteria: Invitae Variant Classification Sherloc (09022015). Collection method: clinical testing. Allele origin: germline.
Comment: In summary, the available evidence is currently insufficient to determine the role of this variant in disease. Therefore, it has been classified as a Variant of Uncertain Significance. Algorithms developed to predict the effect of missense changes on protein structure and function are either unavailable or do not agree on the potential impact of this missense change (SIFT: "Deleterious"; PolyPhen-2: "Benign"; Align-GVGD: "Class C0"). This variant has not been reported in the literature in individuals with SYNE1-related conditions. This variant is not present in population databases (ExAC no frequency). This sequence change replaces leucine with arginine at codon 1331 of the SYNE1 protein (p.Leu1331Arg). The leucine residue is moderately conserved and there is a moderate physicochemical difference between leucine and arginine.